The following is an entry in ClinVar:

NM_006904.7(PRKDC):c.11155A>G (p.Ile3719Val)

Gene: PRKDC (protein kinase, DNA-activated, catalytic subunit; minus strand). Cytogenetic location: 8q11.21.
Variant type: single nucleotide variant.
Coding change: c.11155A>G on transcript NM_006904.7 (MANE Select); coding-DNA position 11155, A replaced by G.
Protein change: p.Ile3719Val; replaces isoleucine 3719 with valine.
Molecular consequence: missense variant.
Genome position (GRCh38, 1-based): chr8:47,783,762, T>C on the plus strand (A>G on the coding strand, the complement: PRKDC is on the minus strand). VCF-style: chr8-47783762-T-C. GRCh37 (hg19) VCF-style: chr8-48696323-T-C.
Other names: c.11155A>G, p.Ile3719Val (NM_001081640.2); short protein forms I3719V.
Identifiers: ClinVar variation 1498447 (VCV001498447.4), dbSNP rs373920642, ClinGen allele CA4739166.
Genomic context (GRCh38, chr8:47,783,762, plus strand): 5'-TCATCAGGACAGGGACTGGGTCACACACCCTCACACCTACCCGCTCATCAAACCCGGCGA[T>C]TCGCACGTGGTACTCTGGCAATGGCTTTCCCCTACCGTCATACTGACCTAAAACAAACCA-3'
Protein context (NP_008835.5, residues 3709-3729): GKPLPEYHVR[Ile3719Val]AGFDERVTVM

ClinVar aggregate classification (germline): Uncertain significance (1 of 4 stars; one submission).

Conditions:
Severe combined immunodeficiency due to DNA-PKcs deficiency. Also called: IMMUNODEFICIENCY 26 WITH NEUROLOGIC ABNORMALITIES; Immunodeficiency 26 with or without neurologic abnormalities. Identifiers: Orphanet 317425, MedGen C4014833, MONDO:0014423, OMIM 615966.

Allele frequency attached by ClinVar (database versions not stated): ExAC 0.00001; gnomAD 0.00001; TOPMed 0.00001; gnomAD exomes 0.00002; ESP Exome Variant Server 0.00008.
gnomAD v4.1: 32 of 1,613,820 alleles (0.002%); highest among the groups gnomAD compares: Middle Eastern, 0.016%; no homozygotes.

Submission:

Labcorp Genetics (formerly Invitae), Labcorp
Classification: Uncertain significance for Severe combined immunodeficiency due to DNA-PKcs deficiency. Last evaluated: 2025-08-20. Review status: criteria provided, single submitter. Criteria: Invitae Variant Classification Sherloc (09022015). Collection method: clinical testing. Allele origin: germline.
Comment: This sequence change replaces isoleucine, which is neutral and non-polar, with valine, which is neutral and non-polar, at codon 3719 of the PRKDC protein (p.Ile3719Val). This variant is present in population databases (rs373920642, gnomAD 0.006%). This variant has not been reported in the literature in individuals affected with PRKDC-related conditions. ClinVar contains an entry for this variant (Variation ID: 1498447). Invitae Evidence Modeling of protein sequence and biophysical properties (such as structural, functional, and spatial information, amino acid conservation, physicochemical variation, residue mobility, and thermodynamic stability) indicates that this missense variant is not expected to disrupt PRKDC protein function with a negative predictive value of 80%. In summary, the available evidence is currently insufficient to determine the role of this variant in disease. Therefore, it has been classified as a Variant of Uncertain Significance.